The following is an entry in ClinVar:

ClinVar aggregate classification (germline): Benign. Review status: criteria provided, multiple submitters, no conflicts (2 of 4 stars). 2 submissions from 2 submitters: Benign (2). Last evaluated 2026-01-27.

Conditions:
Retinitis pigmentosa (RP). Identifiers: Orphanet 791, MedGen C0035334, MeSH D012174, MONDO:0019200, OMIM 268000. Inheritance: Autosomal dominant, autosomal recessive and X linked inheritance.

Allele frequency attached by ClinVar (database versions not stated): gnomAD exomes 0.00240 and 0.00630; ExAC 0.00800; gnomAD 0.02452 and 0.02643; 1000 Genomes Project 0.02676; TOPMed 0.02753; 1000 Genomes Project 30x 0.02967; ESP Exome Variant Server 0.02999.
gnomAD v4.1: 7,308 of 1,614,070 alleles (0.45%); highest among the groups gnomAD compares: African/African-American, 8.8%; 300 homozygotes.

Submissions (2):

Labcorp Genetics (formerly Invitae), Labcorp
Classification: Benign. Last evaluated: 2026-01-27. Review status: criteria provided, single submitter. Criteria: Invitae Variant Classification Sherloc (09022015). Collection method: clinical testing. Allele origin: germline.

Illumina Laboratory Services, Illumina
Classification: Benign for Retinitis pigmentosa. Last evaluated: 2018-01-13. Review status: criteria provided, single submitter. Criteria: ICSL Variant Classification Criteria 13 December 2019. Collection method: clinical testing. Allele origin: germline.
Comment: This variant was observed in the ICSL laboratory as part of a predisposition screen in an ostensibly healthy population. It had not been previously curated by ICSL or reported in the Human Gene Mutation Database (HGMD: prior to June 1st, 2018), and was therefore a candidate for classification through an automated scoring system. Utilizing variant allele frequency, disease prevalence and penetrance estimates, and inheritance mode, an automated score was calculated to assess if this variant is too frequent to cause the disease. Based on the score and internal cut-off values, a variant classified as benign is not then subjected to further curation. The score for this variant resulted in a classification of benign for this disease.

NM_014014.5(SNRNP200):c.2422-8C>T

Gene: SNRNP200 (small nuclear ribonucleoprotein U5 subunit 200; minus strand). Cytogenetic location: 2q11.2.
Variant type: single nucleotide variant.
Coding change: c.2422-8C>T on transcript NM_014014.5 (MANE Select); 8 bases into the intron before coding-DNA position 2422, C replaced by T.
Molecular consequence: intron variant.
Genome position (GRCh38, 1-based): chr2:96,290,823, G>A on the plus strand (C>T on the coding strand, the complement: SNRNP200 is on the minus strand). VCF-style: chr2-96290823-G-A. GRCh37 (hg19) VCF-style: chr2-96956561-G-A.
Identifiers: ClinVar variation 337553 (VCV000337553.15), dbSNP rs79583389, ClinGen allele CA1778690.
Genomic context (GRCh38, chr2:96,290,823, plus strand): 5'-GTATGTGCAGGGAGATTCACACCCCAAGCTAGAGTTGCTGTGGAAACTAAAACCTACAGA[G>A]GCAAAACAAGGTAATGAGGAGAACAGATGCCATCACCAGGGGTTAATATCCCTGGCTTCT-3'